The following is an entry in ClinVar:

NM_000045.4(ARG1):c.386T>C (p.Ile129Thr)

Genes: ARG1 (arginase 1; plus strand), MED23 (mediator complex subunit 23; minus strand). Cytogenetic location: 6q23.2.
Variant type: single nucleotide variant.
Coding change: c.386T>C on transcript NM_000045.4 (MANE Select); coding-DNA position 386, T replaced by C.
Protein change: p.Ile129Thr; replaces isoleucine 129 with threonine.
Molecular consequence: missense variant. On other transcripts: non-coding transcript variant (1), intron variant (3).
Genome position (GRCh38, 1-based): chr6:131,581,299, T>C. VCF-style: chr6-131581299-T-C. GRCh37 (hg19) VCF-style: chr6-131902439-T-C.
Other names: c.410T>C, p.Ile137Thr (NM_001244438.2); c.306-1761T>C (NM_001369020.1); c.4077+6410A>G (NM_001270521.2); c.4095+6410A>G (NM_015979.4); short protein forms I129T, I137T.
Identifiers: ClinVar variation 1507939 (VCV001507939.6), dbSNP rs771165013, ClinGen allele CA147892348.

ClinVar aggregate classification (germline): Uncertain significance (1 of 4 stars; one submission).

Conditions:
Arginase deficiency. Also called: ARGININEMIA; ARG1 DEFICIENCY; Arginase 1 Deficiency. Identifiers: Orphanet 90, MedGen C0268548, MONDO:0008814, OMIM 207800.

gnomAD v4.1: 6 of 1,613,912 alleles (0.00037%); highest among the groups gnomAD compares: Non-Finnish European, 0.00051%; no homozygotes.

Submission:

Labcorp Genetics (formerly Invitae), Labcorp
Classification: Uncertain significance for Arginase deficiency. Last evaluated: 2022-08-23. Review status: criteria provided, single submitter. Criteria: Invitae Variant Classification Sherloc (09022015). Collection method: clinical testing. Allele origin: germline.
Comment: This sequence change replaces isoleucine, which is neutral and non-polar, with threonine, which is neutral and polar, at codon 129 of the ARG1 protein (p.Ile129Thr). This variant is not present in population databases (gnomAD no frequency). This variant has not been reported in the literature in individuals affected with ARG1-related conditions. ClinVar contains an entry for this variant (Variation ID: 1507939). Algorithms developed to predict the effect of missense changes on protein structure and function (SIFT, PolyPhen-2, Align-GVGD) all suggest that this variant is likely to be disruptive. In summary, the available evidence is currently insufficient to determine the role of this variant in disease. Therefore, it has been classified as a Variant of Uncertain Significance.